The following is an entry in ClinVar:

ClinVar aggregate classification (germline): Pathogenic (1 of 4 stars; one submission).

Conditions:
Congenital adrenal hypoplasia, X-linked (AHC). Also called: X-linked AHC; X-Linked Adrenal Hypoplasia Congenita; Isolated X-Linked Adrenal Hypoplasia Congenita; ADRENAL HYPOPLASIA, CONGENITAL, WITH HYPOGONADOTROPIC HYPOGONADISM. Identifiers: Orphanet 95702, MedGen C0342482, MONDO:0010264, OMIM 300200. Disease mechanism: loss of function.
46,XY sex reversal 2. Also called: NR0B1-Related 46,XY CGD; NR0B1-related 46,XY complete gonadal dysgenesis; 46XY sex reversal 2, dosage-sensitive; 46,XY SEX REVERSAL, DAX1-RELATED; Dosage-sensitive sex reversal. Identifiers: MedGen C1848296, MONDO:0010226, OMIM 300018.

Submission:

Labcorp Genetics (formerly Invitae), Labcorp
Classification: Pathogenic for Congenital adrenal hypoplasia, X-linked; 46,XY sex reversal 2. Last evaluated: 2019-01-11. Review status: criteria provided, single submitter. Criteria: Invitae Variant Classification Sherloc (09022015). Collection method: clinical testing. Allele origin: germline.
Comment: This sequence change creates a premature translational stop signal (p.Leu54Alafs*18) in the NR0B1 gene. It is expected to result in an absent or disrupted protein product. This variant is not present in population databases (ExAC no frequency). This variant has not been reported in the literature in individuals with NR0B1-related conditions. Loss-of-function variants in NR0B1 are known to be pathogenic (PMID: 7990958, 15841486). For these reasons, this variant has been classified as Pathogenic.

Literature cited by the submitters: PubMed 7990958; PubMed 15841486.

NM_000475.5(NR0B1):c.159dup (p.Leu54fs)

Gene: NR0B1 (nuclear receptor subfamily 0 group B member 1; minus strand). Cytogenetic location: Xp21.2.
Variant type: Duplication.
Coding change: c.159dup on transcript NM_000475.5 (MANE Select); coding-DNA position 159, one base duplicated (G; older notation c.159dupG).
Protein change: p.Leu54fs; shifts the reading frame from leucine 54.
Molecular consequence: frameshift variant.
Genome position (GRCh38, 1-based): chrX:30,309,205, C duplicated on the plus strand (G on the coding strand, the reverse complement: NR0B1 is on the minus strand); the first of 4 consecutive C bases (chrX:30,309,205-30,309,208); duplicating any one gives the same sequence. VCF-style (leftmost placement, unchanged base first): chrX-30309204-G-GC. GRCh37 (hg19) VCF-style: chrX-30327321-G-GC.
Other names: short protein forms L54fs.
Identifiers: ClinVar variation 853827 (VCV000853827.8), dbSNP rs1926602170, ClinGen allele CA916083875.